The following is an entry in ClinVar:

NM_000059.4(BRCA2):c.68-6A>T

Gene: BRCA2 (BRCA2 DNA repair associated; plus strand). Cytogenetic location: 13q13.1.
Variant type: single nucleotide variant.
Coding change: c.68-6A>T on transcript NM_000059.4 (MANE Select); 6 bases into the intron before coding-DNA position 68, A replaced by T.
Molecular consequence: intron variant.
Genome position (GRCh38, 1-based): chr13:32,319,071, A>T. VCF-style: chr13-32319071-A-T. GRCh37 (hg19) VCF-style: chr13-32893208-A-T.
Identifiers: ClinVar variation 462418 (VCV000462418.17), dbSNP rs1555280325, ClinGen allele CA658656326.

ClinVar aggregate classification (germline): Conflicting classifications of pathogenicity. Review status: criteria provided, conflicting classifications (1 of 4 stars). 5 submissions from 5 submitters: Uncertain significance (2); Likely benign (3). Last evaluated 2025-12-28.

Conditions:
Breast and/or ovarian cancer. Identifiers: MedGen CN221562.
Hereditary breast ovarian cancer syndrome. Also called: Hereditary breast and ovarian cancer syndrome (HBOC); Hereditary breast and ovarian cancer syndrome; Breast and ovarian cancer; Hereditary breast and/or ovarian cancer syndrome; Hereditary breast and ovarian cancer; BRCA1- and BRCA2-Associated Hereditary Breast and Ovarian Cancer. Identifiers: Orphanet 145, MedGen C0677776, MeSH D061325, MONDO:0003582. Disease mechanism: loss of function.
Hereditary cancer-predisposing syndrome. Also called: Neoplastic Syndromes, Hereditary; Hereditary Cancer Syndrome; Hereditary neoplastic syndrome; Tumor predisposition. Identifiers: Orphanet 140162, MedGen C0027672, MeSH D009386, MONDO:0015356.

Allele frequency attached by ClinVar (database versions not stated): gnomAD exomes below 0.00001.
gnomAD v4.1: 2 of 1,608,298 alleles (0.00012%); highest among the groups gnomAD compares: Non-Finnish European, 0.000085%; no homozygotes.

Submissions (5):

Labcorp Genetics (formerly Invitae), Labcorp
Classification: Likely benign for Hereditary breast ovarian cancer syndrome. Last evaluated: 2025-12-28. Review status: criteria provided, single submitter. Criteria: Invitae Variant Classification Sherloc (09022015). Collection method: clinical testing. Allele origin: germline.

Quest Diagnostics Nichols Institute San Juan Capistrano
Classification: Uncertain significance. Last evaluated: 2024-07-30. Review status: criteria provided, single submitter. Criteria: Quest Diagnostics criteria. Collection method: clinical testing. Allele origin: unknown.
Comment: The BRCA2 c.68-6A>T variant has not been reported in the published literature in the germline state in individuals with an BRCA2-related condition. This variant has not been reported in large, multi-ethnic general populations (Genome Aggregation Database). Analysis of this variant using software algorithms for the prediction of the effect of nucleotide changes on splicing yielded predictions that this variant does not affect BRCA2 mRNA splicing. Based on the available information, we are unable to determine the clinical significance of this variant.

CHEO Genetics Diagnostic Laboratory, Children's Hospital of Eastern Ontario
Classification: Uncertain significance for Breast and/or ovarian cancer. Last evaluated: 2021-09-20. Review status: criteria provided, single submitter. Criteria: ACMG Guidelines, 2015. Collection method: clinical testing. Allele origin: germline.

GeneDx
Classification: Likely benign. Last evaluated: 2021-04-28. Review status: criteria provided, single submitter. Criteria: GeneDx Variant Classification Process June 2021. Collection method: clinical testing. Allele origin: germline. Affected: yes.

Color Diagnostics, LLC DBA Color Health
Classification: Likely benign for Hereditary cancer-predisposing syndrome. Last evaluated: 2017-10-06. Review status: criteria provided, single submitter. Criteria: ACMG Guidelines, 2015. Collection method: clinical testing. Allele origin: germline.

Literature cited by the submitters: PubMed 32277576 (cited by Quest Diagnostics Nichols Institute San Juan Capistrano); PubMed 38887977 (cited by Quest Diagnostics Nichols Institute San Juan Capistrano).